The following is an entry in ClinVar:

ClinVar aggregate classification (germline): Uncertain significance. Review status: criteria provided, multiple submitters, no conflicts (2 of 4 stars). 2 submissions from 2 submitters: Uncertain significance (2). Last evaluated 2022-04-28.

Conditions:
Tumoral calcinosis, hyperphosphatemic, familial, 1. Also called: HYPEROSTOSIS WITH HYPERPHOSPHATEMIA; HYPEROSTOSIS-HYPERPHOSPHATEMIA SYNDROME; CORTICAL HYPEROSTOSIS WITH HYPERPHOSPHATEMIA; CALCINOSIS, TUMORAL, WITH HYPERPHOSPHATEMIA; LIPOCALCINOGRANULOMATOSIS; MORBUS TEUTSCHLAENDER. Identifiers: Orphanet 53715, MedGen C4692564, MONDO:0100252, OMIM 211900.

Allele frequency attached by ClinVar (database versions not stated): ExAC 0.00002; gnomAD exomes 0.00002; TOPMed 0.00002; gnomAD 0.00003 and 0.00004; 1000 Genomes Project 30x 0.00016; 1000 Genomes Project 0.00020.
gnomAD v4.1: 52 of 1,614,034 alleles (0.0032%); highest among the groups gnomAD compares: Admixed American, 0.005%; no homozygotes.

Submissions (2):

Fulgent Genetics
Classification: Uncertain significance for Tumoral calcinosis, hyperphosphatemic, familial, 1. Last evaluated: 2022-04-28. Review status: criteria provided, single submitter. Criteria: ACMG Guidelines, 2015. Collection method: clinical testing. Allele origin: unknown.

Labcorp Genetics (formerly Invitae), Labcorp
Classification: Uncertain significance. Last evaluated: 2021-08-26. Review status: criteria provided, single submitter. Criteria: Invitae Variant Classification Sherloc (09022015). Collection method: clinical testing. Allele origin: germline.
Comment: This sequence change replaces arginine with histidine at codon 418 of the GALNT3 protein (p.Arg418His). The arginine residue is highly conserved and there is a small physicochemical difference between arginine and histidine. This variant is present in population databases (rs143396063, ExAC 0.003%). This variant has not been reported in the literature in individuals affected with GALNT3-related conditions. Algorithms developed to predict the effect of missense changes on protein structure and function (SIFT, PolyPhen-2, Align-GVGD) all suggest that this variant is likely to be disruptive. In summary, the available evidence is currently insufficient to determine the role of this variant in disease. Therefore, it has been classified as a Variant of Uncertain Significance.

NM_004482.4(GALNT3):c.1253G>A (p.Arg418His)

Gene: GALNT3 (polypeptide N-acetylgalactosaminyltransferase 3; minus strand). Cytogenetic location: 2q24.3.
Variant type: single nucleotide variant.
Coding change: c.1253G>A on transcript NM_004482.4 (MANE Select); coding-DNA position 1253, G replaced by A.
Protein change: p.Arg418His; replaces arginine 418 with histidine.
Molecular consequence: missense variant.
Genome position (GRCh38, 1-based): chr2:165,757,186, C>T on the plus strand (G>A on the coding strand, the complement: GALNT3 is on the minus strand). VCF-style: chr2-165757186-C-T. GRCh37 (hg19) VCF-style: chr2-166613696-C-T.
Other names: short protein forms R418H.
Identifiers: ClinVar variation 1441714 (VCV001441714.6), dbSNP rs143396063, ClinGen allele CA1940989.